The following is an entry in ClinVar:

NM_138927.4(SON):c.4710T>G (p.Ser1570Arg)

Gene: SON (SON DNA and RNA binding protein; plus strand). Cytogenetic location: 21q22.11.
Variant type: single nucleotide variant.
Coding change: c.4710T>G on transcript NM_138927.4 (MANE Select); coding-DNA position 4710, T replaced by G.
Protein change: p.Ser1570Arg; replaces serine 1570 with arginine.
Molecular consequence: missense variant. On other transcripts: non-coding transcript variant (1), intron variant (1).
Genome position (GRCh38, 1-based): chr21:33,553,941, T>G. VCF-style: chr21-33553941-T-G. GRCh37 (hg19) VCF-style: chr21-34926247-T-G.
Other names: c.4710T>G, p.Ser1570Arg (NM_001291411.2, NM_032195.3); c.245-3215T>G (NM_001291412.3); short protein forms S1570R.
Identifiers: ClinVar variation 3902959 (VCV003902959.1).

ClinVar aggregate classification (germline): Uncertain significance (1 of 4 stars; one submission).

Submission:

GeneDx
Classification: Uncertain significance. Last evaluated: 2024-12-11. Review status: criteria provided, single submitter. Criteria: GeneDx Variant Classification Process June 2021. Collection method: clinical testing. Allele origin: germline. Affected: yes.
Comment: Not observed at significant frequency in large population cohorts (gnomAD); In silico analysis indicates that this missense variant does not alter protein structure/function; Has not been previously published as pathogenic or benign to our knowledge